The following is an entry in ClinVar:

NM_031308.4(EPPK1):c.5709G>A (p.Thr1903=)

Gene: EPPK1 (epiplakin 1; minus strand). Cytogenetic location: 8q24.3.
Variant type: single nucleotide variant.
Coding change: c.5709G>A on transcript NM_031308.4 (MANE Select); coding-DNA position 5709, G replaced by A.
Protein change: p.Thr1903=; no amino-acid change (threonine 1903 retained).
Molecular consequence: synonymous variant.
Genome position (GRCh38, 1-based): chr8:143,867,545, C>T on the plus strand (G>A on the coding strand, the complement: EPPK1 is on the minus strand). VCF-style: chr8-143867545-C-T. GRCh37 (hg19) VCF-style: chr8-144941713-C-T.
Identifiers: ClinVar variation 2673161 (VCV002673161.23), dbSNP rs374236103, ClinGen allele CA4922056.

ClinVar aggregate classification (germline): Likely benign (1 of 4 stars; one submission).

Allele frequency attached by ClinVar (database versions not stated): gnomAD 0.00005; TOPMed 0.00005; ExAC 0.00008; ESP Exome Variant Server 0.00008; 1000 Genomes Project 0.00020; 1000 Genomes Project 30x 0.00031.
gnomAD v4.1: 85 of 1,612,632 alleles (0.0053%); highest among the groups gnomAD compares: Middle Eastern, 0.016%; no homozygotes.

Submission:

CeGaT Center for Human Genetics Tuebingen
Classification: Likely benign. Last evaluated: 2023-11-01. Review status: criteria provided, single submitter. Criteria: CeGaT Center For Human Genetics Tuebingen Variant Classification Criteria Version 2. Collection method: clinical testing. Allele origin: germline. Affected: yes. Observed: 1 variant allele.
Comment: EPPK1: BP4, BP7